The following is an entry in ClinVar:

ClinVar aggregate classification (germline): Uncertain significance. Review status: criteria provided, multiple submitters, no conflicts (2 of 4 stars). 2 submissions from 2 submitters: Uncertain significance (2). Last evaluated 2025-02-05.

Conditions:
CC2D2A-related disorder. Also called: CC2D2A-related condition; CC2D2A-related disorders. Identifiers: MedGen CN239313.
Joubert syndrome. Also called: JOUBERT-BOLTSHAUSER SYNDROME; Familial aplasia of the vermis. Identifiers: Orphanet 475, MedGen C5979921, MONDO:0018772.
Meckel-Gruber syndrome. Also called: DYSENCEPHALIA SPLANCHNOCYSTICA; GRUBER SYNDROME; Dysencephalia splachnocystica. Identifiers: Orphanet 564, MedGen C0265215, MONDO:0018921.

Allele frequency attached by ClinVar (database versions not stated): gnomAD exomes below 0.00001; gnomAD 0.00001.

Submissions (2):

PreventionGenetics, part of Exact Sciences
Classification: Uncertain significance for CC2D2A-related condition. Last evaluated: 2025-02-05. Review status: criteria provided, single submitter. Criteria: ACMG Guidelines, 2015. Collection method: clinical testing. Allele origin: germline.
Comment: The CC2D2A c.3445G>A variant is predicted to result in the amino acid substitution p.Asp1149Asn. To our knowledge, this variant has not been reported in the literature. This variant is reported in 0.0067% of alleles in individuals of Latino descent in gnomAD. At this time, the clinical significance of this variant is uncertain due to the absence of conclusive functional and genetic evidence.

Labcorp Genetics (formerly Invitae), Labcorp
Classification: Uncertain significance for Joubert syndrome; Meckel-Gruber syndrome. Last evaluated: 2022-04-30. Review status: criteria provided, single submitter. Criteria: Invitae Variant Classification Sherloc (09022015). Collection method: clinical testing. Allele origin: germline.
Comment: This sequence change replaces aspartic acid, which is acidic and polar, with asparagine, which is neutral and polar, at codon 1149 of the CC2D2A protein (p.Asp1149Asn). The frequency data for this variant in the population databases is considered unreliable, as metrics indicate poor data quality at this position in the gnomAD database. This variant has not been reported in the literature in individuals affected with CC2D2A-related conditions. Advanced modeling of protein sequence and biophysical properties (such as structural, functional, and spatial information, amino acid conservation, physicochemical variation, residue mobility, and thermodynamic stability) performed at Invitae indicates that this missense variant is expected to disrupt CC2D2A protein function. In summary, the available evidence is currently insufficient to determine the role of this variant in disease. Therefore, it has been classified as a Variant of Uncertain Significance.

NM_001378615.1(CC2D2A):c.3445G>A (p.Asp1149Asn)

Genes: CC2D2A (coiled-coil and C2 domain containing 2A; plus strand), FBXL5 (F-box and leucine rich repeat protein 5; minus strand). Cytogenetic location: 4p15.32.
Variant type: single nucleotide variant.
Coding change: c.3445G>A on transcript NM_001378615.1 (MANE Select); coding-DNA position 3445, G replaced by A.
Protein change: p.Asp1149Asn; replaces aspartic acid 1149 with asparagine.
Molecular consequence: missense variant.
Genome position (GRCh38, 1-based): chr4:15,569,339, G>A. VCF-style: chr4-15569339-G-A. GRCh37 (hg19) VCF-style: chr4-15570962-G-A.
Other names: c.3445G>A, p.Asp1149Asn (NM_001080522.2); c.3298G>A, p.Asp1100Asn (NM_001378617.1); short protein forms D1100N, D1149N.
Identifiers: ClinVar variation 2082367 (VCV002082367.3), dbSNP rs1253546417, ClinGen allele CA356420072.
Genomic context (GRCh38, chr4:15,569,339, plus strand): 5'-GTGCTGTCTTGCAGGGCTCCTAATGGAGATTATAGCACAGCCAGTCTGCAGTCAGTGAAA[G>A]ATGTTGTGTTCATTAACATTTTTGATGAAGTACTGCATGATGTCTTAGAGGTAAGTTCTC-3'
Protein context (NP_001365544.1, residues 1139-1159): YSTASLQSVK[Asp1149Asn]VVFINIFDEV